The following is an entry in ClinVar:

NC_000009.11:g.(?_36246018)_(36249404_?)dup

Gene: GNE (glucosamine (UDP-N-acetyl)-2-epimerase/N-acetylmannosamine kinase; minus strand). Cytogenetic location: 9p13.3.
Variant type: Duplication.
Identifiers: ClinVar variation 2423769 (VCV002423769.4).

ClinVar aggregate classification (germline): Likely pathogenic (1 of 4 stars; one submission).

Conditions:
Sialuria. Also called: Sialic Acid Storage Disease; SIALURIA, FRENCH TYPE. Identifiers: Orphanet 3166, MedGen C0342853, MONDO:0010028, OMIM 269921.
GNE myopathy (NM). Also called: IBM 2; Inclusion body myopathy autosomal recessive; Inclusion body myopathy quadriceps sparing; MYOPATHY, DISTAL, WITH OR WITHOUT RIMMED VACUOLES; NONAKA DISTAL MYOPATHY; INCLUSION BODY MYOPATHY, HEREDITARY, AUTOSOMAL RECESSIVE. Identifiers: Orphanet 602, MedGen C1853926, MONDO:0011603, OMIM 605820.

Submission:

Labcorp Genetics (formerly Invitae), Labcorp
Classification: Likely pathogenic for Sialuria; GNE myopathy. Last evaluated: 2022-08-24. Review status: criteria provided, single submitter. Criteria: Invitae Variant Classification Sherloc (09022015). Collection method: clinical testing. Allele origin: germline.
Comment: In summary, the currently available evidence indicates that the variant is pathogenic, but additional data are needed to prove that conclusively. Therefore, this variant has been classified as Likely Pathogenic. This variant is also known as g.24008_31495dup. A similar copy number variant has been observed in individual(s) with clinical features of autosomal recessive GNE-related myopathy (PMID: 27829678). This variant results in a copy number gain of the genomic region encompassing exon(s) 2-3 of the GNE gene. While the exact position of this variant cannot be determined from the data, sub-genic copy number gains are generally in tandem (PMID: 25640679). This variant is predicted to be out-of-frame, and may result in an absent or disrupted protein product. Loss-of-function variants in GNE are known to be pathogenic (PMID: 24027297).

Literature cited by the submitters: PubMed 27829678; PubMed 25640679; PubMed 24027297.